The following is an entry in ClinVar:

ClinVar aggregate classification (germline): Uncertain significance. Review status: criteria provided, multiple submitters, no conflicts (2 of 4 stars). 2 submissions from 2 submitters: Uncertain significance (2). Last evaluated 2023-11-14.

Conditions:
Hereditary cancer-predisposing syndrome. Also called: Tumor predisposition; Hereditary neoplastic syndrome; Neoplastic Syndromes, Hereditary; Hereditary Cancer Syndrome. Identifiers: Orphanet 140162, MedGen C0027672, MeSH D009386, MONDO:0015356.
Familial meningioma. Also called: Meningioma, familial, susceptibility to. Identifiers: Orphanet 263662, MedGen C3551915, MONDO:0011789, OMIM 607174.

Allele frequency attached by ClinVar (database versions not stated): TOPMed below 0.00001.

Submissions (2):

Ambry Genetics
Classification: Uncertain significance for Hereditary cancer-predisposing syndrome. Last evaluated: 2023-11-14. Review status: criteria provided, single submitter. Criteria: Ambry Variant Classification Scheme 2023. Collection method: clinical testing. Allele origin: germline.
Comment: The p.P13S variant (also known as c.37C>T), located in coding exon 2 of the SMARCE1 gene, results from a C to T substitution at nucleotide position 37. The proline at codon 13 is replaced by serine, an amino acid with similar properties. This amino acid position is highly conserved in available vertebrate species. In addition, the in silico prediction for this alteration is inconclusive. Since supporting evidence is limited at this time, the clinical significance of this alteration remains unclear.

Labcorp Genetics (formerly Invitae), Labcorp
Classification: Uncertain significance for Familial meningioma. Last evaluated: 2021-04-09. Review status: criteria provided, single submitter. Criteria: Invitae Variant Classification Sherloc (09022015). Collection method: clinical testing. Allele origin: germline.
Comment: This sequence change replaces proline with serine at codon 13 of the SMARCE1 protein (p.Pro13Ser). The proline residue is moderately conserved and there is a moderate physicochemical difference between proline and serine. This variant is not present in population databases (ExAC no frequency). In summary, the available evidence is currently insufficient to determine the role of this variant in disease. Therefore, it has been classified as a Variant of Uncertain Significance. Algorithms developed to predict the effect of missense changes on protein structure and function are either unavailable or do not agree on the potential impact of this missense change (SIFT: "Tolerated"; PolyPhen-2: "Possibly Damaging"; Align-GVGD: "Class C0"). This variant has not been reported in the literature in individuals with SMARCE1-related conditions.

NM_003079.5(SMARCE1):c.37C>T (p.Pro13Ser)

Gene: SMARCE1 (SWI/SNF related BAF chromatin remodeling complex subunit E1; minus strand). Cytogenetic location: 17q21.2.
Variant type: single nucleotide variant.
Coding change: c.37C>T on transcript NM_003079.5 (MANE Select); coding-DNA position 37, C replaced by T.
Protein change: p.Pro13Ser; replaces proline 13 with serine.
Molecular consequence: missense variant.
Genome position (GRCh38, 1-based): chr17:40,645,590, G>A on the plus strand (C>T on the coding strand, the complement: SMARCE1 is on the minus strand). VCF-style: chr17-40645590-G-A. GRCh37 (hg19) VCF-style: chr17-38801842-G-A.
Other names: c.37C>T (NM_003079.4); short protein forms P13S.
Identifiers: ClinVar variation 1500732 (VCV001500732.9), dbSNP rs1398882535, ClinGen allele CA399370938.